The following is an entry in ClinVar:

NM_000059.4(BRCA2):c.1829_1830del (p.Lys610fs)

Gene: BRCA2 (BRCA2 DNA repair associated; plus strand). Cytogenetic location: 13q13.1.
Variant type: Deletion.
Coding change: c.1829_1830del on transcript NM_000059.4 (MANE Select); coding-DNA positions 1829 to 1830, 2 bases deleted (AA; older notation c.1829_1830delAA).
Protein change: p.Lys610fs; shifts the reading frame from lysine 610.
Molecular consequence: frameshift variant.
Genome position (GRCh38, 1-based): chr13:32,333,307-32,333,308, AA deleted; deleting any 2 consecutive bases within chr13:32,333,304-32,333,308 gives the same sequence; the c. name uses the placement nearest the transcript's 3' end. VCF-style (leftmost placement, unchanged base first): chr13-32333303-CAA-C. GRCh37 (hg19) VCF-style: chr13-32907440-CAA-C.
Other names: short protein forms K610fs.
Identifiers: ClinVar variation 1458395 (VCV001458395.6), dbSNP rs2137475337, ClinGen allele CA2573149324.

ClinVar aggregate classification (germline): Pathogenic (1 of 4 stars; one submission).

Conditions:
Hereditary breast ovarian cancer syndrome. Also called: Hereditary breast and ovarian cancer; Breast and ovarian cancer; BRCA1- and BRCA2-Associated Hereditary Breast and Ovarian Cancer; Hereditary breast and/or ovarian cancer syndrome; Hereditary breast and ovarian cancer syndrome; Hereditary breast and ovarian cancer syndrome (HBOC). Identifiers: Orphanet 145, MedGen C0677776, MeSH D061325, MONDO:0003582. Disease mechanism: loss of function.

Submission:

Labcorp Genetics (formerly Invitae), Labcorp
Classification: Pathogenic for Hereditary breast ovarian cancer syndrome. Last evaluated: 2022-05-02. Review status: criteria provided, single submitter. Criteria: Invitae Variant Classification Sherloc (09022015). Collection method: clinical testing. Allele origin: germline.
Comment: For these reasons, this variant has been classified as Pathogenic. This variant has not been reported in the literature in individuals affected with BRCA2-related conditions. This variant is not present in population databases (gnomAD no frequency). This sequence change creates a premature translational stop signal (p.Lys610Ilefs*5) in the BRCA2 gene. It is expected to result in an absent or disrupted protein product. Loss-of-function variants in BRCA2 are known to be pathogenic (PMID: 20104584).

Literature cited by the submitters: PubMed 20104584.